The following is an entry in ClinVar:

ClinVar aggregate classification (germline): Pathogenic/Likely pathogenic. Review status: criteria provided, multiple submitters, no conflicts (2 of 4 stars). 5 submissions from 5 submitters: Pathogenic (2); Likely pathogenic (2). 1 of the submissions does not count toward it. Last evaluated 2024-11-08.

Conditions:
Cardiovascular phenotype. Identifiers: MedGen CN230736.
Walker-Warburg congenital muscular dystrophy. Also called: Muscular dystrophy-dystroglycanopathy, type A; Walker-Warburg syndrome. Identifiers: Orphanet 899, MedGen C0265221, MONDO:0000171.
Autosomal recessive limb-girdle muscular dystrophy type 2I. Also called: MUSCULAR DYSTROPHY-DYSTROGLYCANOPATHY (LIMB-GIRDLE), TYPE C, 5; MUSCULAR DYSTROPHY, LIMB-GIRDLE, TYPE 2I; MUSCULAR DYSTROPHY-DYSTROGLYCANOPATHY, LIMB-GIRDLE, FRKP-RELATED. Identifiers: Orphanet 34515, MedGen C1846672, MONDO:0011787, OMIM 607155.

Submissions (5):

Ambry Genetics
Classification: Pathogenic for Cardiovascular phenotype. Last evaluated: 2024-11-08. Review status: criteria provided, single submitter. Criteria: Ambry Variant Classification Scheme 2023. Collection method: clinical testing. Allele origin: germline.
Comment: The c.686delG pathogenic mutation, located in coding exon 1 of the FKRP gene, results from a deletion of one nucleotide at nucleotide position 686, causing a translational frameshift with a predicted alternate stop codon (p.R229Pfs*10). This alteration occurs at the 3' terminus of theFKRP gene, is not expected to trigger nonsense-mediated mRNA decay, and impacts the last 53% of the protein. However, premature stop codons are typically deleterious in nature and a significant portion of the protein is affected (Ambry internal data). This variant is considered to be rare based on population cohorts in the Genome Aggregation Database (gnomAD). Based on the supporting evidence, this variant is interpreted as a disease-causing mutation.

Molecular Diagnostic Laboratory for Inherited Cardiovascular Disease, Montreal Heart Institute
Classification: Likely pathogenic for Cardiovascular phenotype. Last evaluated: 2024-09-19. Review status: criteria provided, single submitter. Criteria: ACMG Guidelines, 2015. Collection method: clinical testing. Allele origin: germline. Affected: yes.
Comment: PVS1, PM2

Labcorp Genetics (formerly Invitae), Labcorp
Classification: Pathogenic for Walker-Warburg congenital muscular dystrophy. Last evaluated: 2023-08-10. Review status: criteria provided, single submitter. Criteria: Invitae Variant Classification Sherloc (09022015). Collection method: clinical testing. Allele origin: germline.
Comment: For these reasons, this variant has been classified as Pathogenic. This variant disrupts a region of the FKRP protein in which other variant(s) (p.Gln460*) have been determined to be pathogenic (PMID: 16476814; Invitae). This suggests that this is a clinically significant region of the protein, and that variants that disrupt it are likely to be disease-causing. ClinVar contains an entry for this variant (Variation ID: 554141). This variant has not been reported in the literature in individuals affected with FKRP-related conditions. This variant is not present in population databases (gnomAD no frequency). This sequence change creates a premature translational stop signal (p.Arg229Profs*10) in the FKRP gene. While this is not anticipated to result in nonsense mediated decay, it is expected to disrupt the last 267 amino acid(s) of the FKRP protein.

GeneDx
Classification: Likely pathogenic. Last evaluated: 2019-01-17. Review status: criteria provided, single submitter. Criteria: GeneDx Variant Classification (06012015). Collection method: clinical testing. Allele origin: germline. Affected: yes.
Comment: The c.686delG variant in the FKRP gene has not been reported previously as a pathogenic variant nor as a benign variant, to our knowledge. The c.686delG variant causes a frameshift starting with codon Arginine 229, changes this amino acid to a Proline residue, and creates a premature Stop codon at position 10 of the new reading frame, denoted p.Arg229ProfsX10. This variant is predicted to cause loss of normal protein function through protein truncation with the last 267 amino acids replaced with nine incorrect residues. The c.686delG variant is not observed in large population cohorts (Lek et al., 2016). We interpret c.686delG as a likely pathogenic variant.

Counsyl
Classification: Likely pathogenic for Autosomal recessive limb-girdle muscular dystrophy type 2I. Last evaluated: 2017-09-28. Review status: no assertion criteria provided. Collection method: clinical testing. Allele origin: unknown. Not counted in ClinVar's aggregate classification.

Literature cited by the submitters: PubMed 16476814 (cited by Labcorp Genetics (formerly Invitae), Labcorp).

NM_024301.5(FKRP):c.686del (p.Arg229fs)

Gene: FKRP (fukutin related protein; plus strand). Cytogenetic location: 19q13.32.
Variant type: Deletion.
Coding change: c.686del on transcript NM_024301.5 (MANE Select); coding-DNA position 686, one base deleted (G; older notation c.686delG).
Protein change: p.Arg229fs; shifts the reading frame from arginine 229.
Molecular consequence: frameshift variant.
Genome position (GRCh38, 1-based): chr19:46,756,136, G deleted. VCF-style (leftmost placement, unchanged base first): chr19-46756135-CG-C. GRCh37 (hg19) VCF-style: chr19-47259392-CG-C.
Other names: c.686del, p.Arg229fs (NM_001039885.3); short protein forms R229fs.
Identifiers: ClinVar variation 554141 (VCV000554141.11), dbSNP rs1555738686, ClinGen allele CA658825103.
Genomic context (GRCh38, chr19:46,756,135, plus strand): 5'-AACCTCTCGGCGCCCCTGGCCCGGCCGGTGGGCACCAGCCTCTTTCTGCAGACCGCCCTT[CG>C]CGGCTGGGCGGTGCAGCTGCTGGACTTGACCTTCGCCGCGGCGCGCCAGCCCCCGCTGGC-3'